The following is an entry in ClinVar:

ClinVar aggregate classification (germline): Likely benign (1 of 4 stars; one submission).

Submission:

CeGaT Center for Human Genetics Tuebingen
Classification: Likely benign. Last evaluated: 2023-10-01. Review status: criteria provided, single submitter. Criteria: CeGaT Center For Human Genetics Tuebingen Variant Classification Criteria Version 2. Collection method: clinical testing. Allele origin: germline. Affected: yes. Observed: 1 variant allele.
Comment: PRDM8: PM2:Supporting, BP4, BP7

NM_001099403.2(PRDM8):c.747C>T (p.Ala249=)

Gene: PRDM8 (PR/SET domain 8; plus strand). Cytogenetic location: 4q21.21.
Variant type: single nucleotide variant.
Coding change: c.747C>T on transcript NM_001099403.2 (MANE Select); coding-DNA position 747, C replaced by T.
Protein change: p.Ala249=; no amino-acid change (alanine 249 retained).
Molecular consequence: synonymous variant.
Genome position (GRCh38, 1-based): chr4:80,202,209, C>T. VCF-style: chr4-80202209-C-T. GRCh37 (hg19) VCF-style: chr4-81123363-C-T.
Other names: c.747C>T, p.Ala249= (NM_020226.4).
Identifiers: ClinVar variation 2654840 (VCV002654840.24), dbSNP rs1578263531, ClinGen allele CA440226630.
Genomic context (GRCh38, chr4:80,202,209, plus strand): 5'-AGCCGGCCCCCTCCACCACTACCCATCCCCCTCCCCGGAAAGCAGCAACCCATCCGCTGC[C>T]GCCGGCGGCAGCAGCGCGAAGCCATCCACAGACTTCCACAACCTGGCCAGGGAGCTGGAA-3'
Protein context (NP_001092873.1, residues 239-259): PSPESSNPSA[Ala249=]AGGSSAKPST